The following is an entry in ClinVar:

ClinVar aggregate classification (germline): Uncertain significance (1 of 4 stars; one submission).

Allele frequency attached by ClinVar (database versions not stated): gnomAD 0.00001; gnomAD exomes 0.00001; TOPMed 0.00001; ExAC 0.00002.
gnomAD v4.1: 20 of 1,613,548 alleles (0.0012%); highest among the groups gnomAD compares: Middle Eastern, 0.016%; no homozygotes.

Submission:

Labcorp Genetics (formerly Invitae), Labcorp
Classification: Uncertain significance. Last evaluated: 2022-08-03. Review status: criteria provided, single submitter. Criteria: Invitae Variant Classification Sherloc (09022015). Collection method: clinical testing. Allele origin: germline.
Comment: This variant has not been reported in the literature in individuals affected with HTRA2-related conditions. This variant is present in population databases (rs764045544, gnomAD 0.003%). This sequence change replaces valine, which is neutral and non-polar, with alanine, which is neutral and non-polar, at codon 317 of the HTRA2 protein (p.Val317Ala). Algorithms developed to predict the effect of missense changes on protein structure and function are either unavailable or do not agree on the potential impact of this missense change (SIFT: "Tolerated"; PolyPhen-2: "Probably Damaging"; Align-GVGD: "Class C0"). In summary, the available evidence is currently insufficient to determine the role of this variant in disease. Therefore, it has been classified as a Variant of Uncertain Significance.

NM_013247.5(HTRA2):c.950T>C (p.Val317Ala)

Gene: HTRA2 (HtrA serine peptidase 2; plus strand). Cytogenetic location: 2p13.1.
Variant type: single nucleotide variant.
Coding change: c.950T>C on transcript NM_013247.5 (MANE Select); coding-DNA position 950, T replaced by C.
Protein change: p.Val317Ala; replaces valine 317 with alanine.
Molecular consequence: missense variant. On other transcripts: non-coding transcript variant (4).
Genome position (GRCh38, 1-based): chr2:74,531,607, T>C. VCF-style: chr2-74531607-T-C. GRCh37 (hg19) VCF-style: chr2-74758734-T-C.
Other names: c.980T>C, p.Val327Ala (NM_001321727.1); c.950T>C, p.Val317Ala (NM_001321728.1); c.755T>C, p.Val252Ala (NM_145074.2); short protein forms V317A, V252A, V327A.
Identifiers: ClinVar variation 2014068 (VCV002014068.2), dbSNP rs764045544, ClinGen allele CA1728521.